The following is an entry in ClinVar:

ClinVar aggregate classification (germline): Uncertain significance (1 of 4 stars; one submission).

Conditions:
Leukocyte adhesion deficiency 3. Also called: INTEGRIN ACTIVATION DEFICIENCY DISEASE; LEUKOCYTE ADHESION DEFICIENCY 1 VARIANT; Leukocyte adhesion deficiency, type III. Identifiers: Orphanet 2968, Orphanet 99844, MedGen C2748536, MONDO:0013016, OMIM 612840.

Submission:

Labcorp Genetics (formerly Invitae), Labcorp
Classification: Uncertain significance for Leukocyte adhesion deficiency 3. Last evaluated: 2020-02-27. Review status: criteria provided, single submitter. Criteria: Invitae Variant Classification Sherloc (09022015). Collection method: clinical testing. Allele origin: germline.
Comment: This variant is not present in population databases (ExAC no frequency). In summary, the available evidence is currently insufficient to determine the role of this variant in disease. Therefore, it has been classified as a Variant of Uncertain Significance. Algorithms developed to predict the effect of missense changes on protein structure and function (SIFT, PolyPhen-2, Align-GVGD) all suggest that this variant is likely to be tolerated, but these predictions have not been confirmed by published functional studies and their clinical significance is uncertain. This variant has not been reported in the literature in individuals with FERMT3-related conditions. This sequence change replaces leucine with phenylalanine at codon 169 of the FERMT3 protein (p.Leu169Phe). The leucine residue is moderately conserved and there is a small physicochemical difference between leucine and phenylalanine.

NM_031471.6(FERMT3):c.507G>C (p.Leu169Phe)

Gene: FERMT3 (FERM domain containing kindlin 3; plus strand). Cytogenetic location: 11q13.1.
Variant type: single nucleotide variant.
Coding change: c.507G>C on transcript NM_031471.6 (MANE Select); coding-DNA position 507, G replaced by C.
Protein change: p.Leu169Phe; replaces leucine 169 with phenylalanine.
Molecular consequence: missense variant. On other transcripts: 5 prime UTR variant (2).
Genome position (GRCh38, 1-based): chr11:64,211,164, G>C. VCF-style: chr11-64211164-G-C. GRCh37 (hg19) VCF-style: chr11-63978636-G-C.
Other names: c.507G>C, p.Leu169Phe (NM_001382361.1, NM_001382362.1, NM_001382448.1 and 1 more transcripts); c.-34G>C (NM_001382363.1, NM_001382364.1); short protein forms L169F.
Identifiers: ClinVar variation 1016122 (VCV001016122.10), dbSNP rs1946427260, ClinGen allele CA381082076.